The following is an entry in ClinVar:

ClinVar aggregate classification (germline): Conflicting classifications of pathogenicity. Review status: criteria provided, conflicting classifications (1 of 4 stars). 3 submissions from 3 submitters: Uncertain significance (1); Likely benign (1). 1 of the submissions does not count toward it. Last evaluated 2026-01-05.

Conditions:
Adams-Oliver syndrome 5 (AOS5). Identifiers: Orphanet 974, MedGen C4014970, MONDO:0014459, OMIM 616028.
Familial thoracic aortic aneurysm and aortic dissection (TAAD). Also called: Thoracic aortic aneurysms and dissections. Identifiers: Orphanet 91387, MedGen C4707243, MONDO:0019625.
NOTCH1-related disorder. Also called: NOTCH1-related disorders; NOTCH1-related condition.

Allele frequency attached by ClinVar (database versions not stated): gnomAD 0.00003; gnomAD exomes 0.00003 and 0.00016; TOPMed 0.00008; ExAC 0.00010.
gnomAD v4.1: 46 of 1,610,722 alleles (0.0029%); highest among the groups gnomAD compares: Admixed American, 0.073%; no homozygotes.

Submissions (3):

Labcorp Genetics (formerly Invitae), Labcorp
Classification: Likely benign for Adams-Oliver syndrome 5. Last evaluated: 2026-01-05. Review status: criteria provided, single submitter. Criteria: Invitae Variant Classification Sherloc (09022015). Collection method: clinical testing. Allele origin: germline.

Ambry Genetics
Classification: Uncertain significance for Familial thoracic aortic aneurysm and aortic dissection. Last evaluated: 2023-12-20. Review status: criteria provided, single submitter. Criteria: Ambry Variant Classification Scheme 2023. Collection method: clinical testing. Allele origin: germline.

PreventionGenetics, part of Exact Sciences
Classification: Likely benign for NOTCH1-related condition. Last evaluated: 2023-05-15. Review status: no assertion criteria provided. Collection method: clinical testing. Allele origin: germline. Not counted in ClinVar's aggregate classification.
Comment: This variant is classified as likely benign based on ACMG/AMP sequence variant interpretation guidelines (Richards et al. 2015 PMID: 25741868, with internal and published modifications).

NM_017617.5(NOTCH1):c.2654A>G (p.Gln885Arg)

Gene: NOTCH1 (notch receptor 1; minus strand). Cytogenetic location: 9q34.3.
Variant type: single nucleotide variant.
Coding change: c.2654A>G on transcript NM_017617.5 (MANE Select); coding-DNA position 2654, A replaced by G.
Protein change: p.Gln885Arg; replaces glutamine 885 with arginine.
Molecular consequence: missense variant.
Genome position (GRCh38, 1-based): chr9:136,510,739, T>C on the plus strand (A>G on the coding strand, the complement: NOTCH1 is on the minus strand). VCF-style: chr9-136510739-T-C. GRCh37 (hg19) VCF-style: chr9-139405191-T-C.
Other names: c.2654A>G, p.Gln885Arg (LRG_1122t1); c.2654A>G (NM_017617.4); short protein forms Q885R.
Identifiers: ClinVar variation 520075 (VCV000520075.17), dbSNP rs764327751, ClinGen allele CA5341209.